The following is an entry in ClinVar:

ClinVar aggregate classification (germline): Uncertain significance (1 of 4 stars; one submission).

Conditions:
Cardiovascular phenotype. Identifiers: MedGen CN230736.

gnomAD v4.1: 1 of 1,610,876 alleles (0.000062%); highest among the groups gnomAD compares: Non-Finnish European, 0.000085%; no homozygotes.

Submission:

Ambry Genetics
Classification: Uncertain significance for Cardiovascular phenotype. Last evaluated: 2025-03-04. Review status: criteria provided, single submitter. Criteria: Ambry Variant Classification Scheme 2023. Collection method: clinical testing. Allele origin: germline.
Comment: The p.V3361M variant (also known as c.10081G>A), located in coding exon 29 of the TNXB gene, results from a G to A substitution at nucleotide position 10081. The valine at codon 3361 is replaced by methionine, an amino acid with highly similar properties. This amino acid position is conserved. In addition, this alteration is predicted to be tolerated by in silico analysis. Based on the available evidence, the clinical significance of this variant remains unclear.

NM_001365276.2(TNXB):c.10087G>A (p.Val3363Met)

Gene: TNXB (tenascin XB; minus strand). Cytogenetic location: 6p21.33.
Variant type: single nucleotide variant.
Coding change: c.10087G>A on transcript NM_001365276.2 (MANE Select); coding-DNA position 10087, G replaced by A.
Protein change: p.Val3363Met; replaces valine 3363 with methionine.
Molecular consequence: missense variant.
Genome position (GRCh38, 1-based): chr6:32,047,971, C>T on the plus strand (G>A on the coding strand, the complement: TNXB is on the minus strand). VCF-style: chr6-32047971-C-T. GRCh37 (hg19) VCF-style: chr6-32015748-C-T.
Other names: c.10828G>A, p.Val3610Met (NM_001428335.1); c.10081G>A, p.Val3361Met (NM_019105.8); short protein forms V3361M, V3363M, V3610M.
Identifiers: ClinVar variation 3809373 (VCV003809373.1).